The following is an entry in ClinVar:

ClinVar aggregate classification (germline): Uncertain significance (1 of 4 stars; one submission).

Conditions:
Arrhythmogenic right ventricular dysplasia 11. Also called: ARRHYTHMOGENIC RIGHT VENTRICULAR DYSPLASIA, FAMILIAL, 11; Arrhythmogenic Right Ventricular Dysplasia/Cardiomyopathy11; Arrhythmogenic right ventricular dysplasia 11 with mild palmoplantar keratoderma and woolly hair. Identifiers: MedGen C1864850, MONDO:0012506, OMIM 610476.

Submission:

Labcorp Genetics (formerly Invitae), Labcorp
Classification: Uncertain significance for Arrhythmogenic right ventricular cardiomyopathy, type 11. Last evaluated: 2019-01-23. Review status: criteria provided, single submitter. Criteria: Invitae Variant Classification Sherloc (09022015). Collection method: clinical testing. Allele origin: germline.
Comment: This sequence change replaces glycine with valine at codon 657 of the DSC2 protein (p.Gly657Val). The glycine residue is highly conserved and there is a moderate physicochemical difference between glycine and valine. This variant is not present in population databases (ExAC no frequency). This variant has not been reported in the literature in individuals with DSC2-related conditions. Algorithms developed to predict the effect of missense changes on protein structure and function (SIFT, PolyPhen-2, Align-GVGD) all suggest that this variant is likely to be disruptive, but these predictions have not been confirmed by published functional studies and their clinical significance is uncertain. In summary, the available evidence is currently insufficient to determine the role of this variant in disease. Therefore, it has been classified as a Variant of Uncertain Significance.

NM_024422.6(DSC2):c.1970G>T (p.Gly657Val)

Gene: DSC2 (desmocollin 2; minus strand). Cytogenetic location: 18q12.1.
Variant type: single nucleotide variant.
Coding change: c.1970G>T on transcript NM_024422.6 (MANE Select); coding-DNA position 1970, G replaced by T.
Protein change: p.Gly657Val; replaces glycine 657 with valine.
Molecular consequence: missense variant.
Genome position (GRCh38, 1-based): chr18:31,071,760, C>A on the plus strand (G>T on the coding strand, the complement: DSC2 is on the minus strand). VCF-style: chr18-31071760-C-A. GRCh37 (hg19) VCF-style: chr18-28651726-C-A.
Other names: c.1970G>T, p.Gly657Val (NM_004949.5); short protein forms G657V.
Identifiers: ClinVar variation 855658 (VCV000855658.1), dbSNP rs1986842583, ClinGen allele CA402113250.